The following is an entry in ClinVar:

NM_000524.4(HTR1A):c.975T>C (p.Asn325=)

Gene: HTR1A (5-hydroxytryptamine receptor 1A; minus strand). Cytogenetic location: 5q12.3.
Variant type: single nucleotide variant.
Coding change: c.975T>C on transcript NM_000524.4 (MANE Select); coding-DNA position 975, T replaced by C.
Protein change: p.Asn325=; no amino-acid change (asparagine 325 retained).
Molecular consequence: synonymous variant.
Genome position (GRCh38, 1-based): chr5:63,960,745, A>G on the plus strand (T>C on the coding strand, the complement: HTR1A is on the minus strand). VCF-style: chr5-63960745-A-G. GRCh37 (hg19) VCF-style: chr5-63256572-A-G.
Identifiers: ClinVar variation 3051192 (VCV003051192.2), dbSNP rs774406938, ClinGen allele CA3280800.

ClinVar aggregate classification (germline): Likely benign (0 of 4 stars; one submission).

Conditions:
HTR1A-related disorder. Also called: HTR1A-related condition.

Allele frequency attached by ClinVar (database versions not stated): gnomAD 0.00002; TOPMed 0.00006; gnomAD exomes 0.00007; ExAC 0.00014.

Submission:

PreventionGenetics, part of Exact Sciences
Classification: Likely benign for HTR1A-related condition. Last evaluated: 2020-01-20. Review status: no assertion criteria provided. Collection method: clinical testing. Allele origin: germline.
Comment: This variant is classified as likely benign based on ACMG/AMP sequence variant interpretation guidelines (Richards et al. 2015 PMID: 25741868, with internal and published modifications).